The following is an entry in ClinVar:

ClinVar aggregate classification (germline): Pathogenic/Likely pathogenic. Review status: criteria provided, multiple submitters, no conflicts (2 of 4 stars). 4 submissions from 4 submitters: Pathogenic (3); Likely pathogenic (1). Last evaluated 2022-11-13.

Conditions:
Spastic paraplegia. Identifiers: MedGen C0037772, HP:0001258.
Hereditary spastic paraplegia. Also called: Familial spastic paraparesis. Identifiers: Orphanet 685, MedGen C0037773, MONDO:0019064. Disease mechanism: loss of function.
Charlevoix-Saguenay spastic ataxia (SACS). Also called: AUTOSOMAL RECESSIVE SPASTIC ATAXIA OF CHARLEVOIX-SAGUENAY; SPASTIC ATAXIA 6, AUTOSOMAL RECESSIVE; Spastic ataxia of Charlevoix-Saguenay. Identifiers: Orphanet 98, MedGen C1849140, MONDO:0010041, OMIM 270550.

Submissions (4):

Labcorp Genetics (formerly Invitae), Labcorp
Classification: Pathogenic for Spastic paraplegia. Last evaluated: 2022-11-13. Review status: criteria provided, single submitter. Criteria: Invitae Variant Classification Sherloc (09022015). Collection method: clinical testing. Allele origin: germline.
Comment: ClinVar contains an entry for this variant (Variation ID: 523854). This sequence change creates a premature translational stop signal (p.Gln558*) in the SACS gene. It is expected to result in an absent or disrupted protein product. Loss-of-function variants in SACS are known to be pathogenic (PMID: 18465152, 20876471). This variant is not present in population databases (gnomAD no frequency). This variant has not been reported in the literature in individuals affected with SACS-related conditions. For these reasons, this variant has been classified as Pathogenic.

Genome-Nilou Lab
Classification: Pathogenic for Charlevoix-Saguenay spastic ataxia. Last evaluated: 2021-09-05. Review status: criteria provided, single submitter. Criteria: ACMG Guidelines, 2015. Collection method: clinical testing. Allele origin: germline. Affected: no.

GeneDx
Classification: Likely pathogenic. Last evaluated: 2019-11-07. Review status: criteria provided, single submitter. Criteria: GeneDx Variant Classification Process June 2021. Collection method: clinical testing. Allele origin: germline. Affected: yes.
Comment: Nonsense variant predicted to result in protein truncation or nonsense mediated decay in a gene for which loss-of-function is a known mechanism of disease; Not observed in large population cohorts (Lek et al., 2016); Has not been previously published as pathogenic or benign to our knowledge

Genome Diagnostics Laboratory, The Hospital for Sick Children
Classification: Pathogenic for Hereditary spastic paraplegia. Last evaluated: 2019-01-01. Review status: criteria provided, single submitter. Criteria: ACMG Guidelines, 2015. Collection method: clinical testing. Allele origin: germline. Affected: yes.

Literature cited by the submitters: PubMed 18465152 (cited by Labcorp Genetics (formerly Invitae), Labcorp); PubMed 20876471 (cited by Labcorp Genetics (formerly Invitae), Labcorp).

NM_014363.6(SACS):c.1672C>T (p.Gln558Ter)

Gene: SACS (sacsin molecular chaperone; minus strand). Cytogenetic location: 13q12.12.
Variant type: single nucleotide variant.
Coding change: c.1672C>T on transcript NM_014363.6 (MANE Select); coding-DNA position 1672, C replaced by T.
Protein change: p.Gln558Ter; replaces glutamine 558 with a stop codon.
Molecular consequence: nonsense.
Genome position (GRCh38, 1-based): chr13:23,354,940, G>A on the plus strand (C>T on the coding strand, the complement: SACS is on the minus strand). VCF-style: chr13-23354940-G-A. GRCh37 (hg19) VCF-style: chr13-23929079-G-A.
Other names: c.1231C>T, p.Gln411Ter (NM_001278055.2); short protein forms Q558*, Q411*.
Identifiers: ClinVar variation 523854 (VCV000523854.18), dbSNP rs923921184, ClinGen allele CA387547285.